The following is an entry in ClinVar:

ClinVar aggregate classification (germline): Uncertain significance. Review status: criteria provided, multiple submitters, no conflicts (2 of 4 stars). 3 submissions from 3 submitters: Uncertain significance (2). 1 of the submissions does not count toward it. Last evaluated 2025-09-27.

Conditions:
Inborn genetic diseases. Identifiers: MedGen C0950123, MeSH D030342.
Alport syndrome. Also called: Hemorrhagic familial nephritis; Hemorrhagic hereditary nephritis; Congenital hereditary hematuria. Identifiers: Orphanet 63, MedGen C1567741, MONDO:0018965.

Allele frequency attached by ClinVar (database versions not stated): ExAC 0.00001; gnomAD exomes 0.00001; gnomAD 0.00003; TOPMed 0.00004.
gnomAD v4.1: 17 of 1,613,780 alleles (0.0011%); highest among the groups gnomAD compares: Admixed American, 0.005%; no homozygotes.

Submissions (3):

Labcorp Genetics (formerly Invitae), Labcorp
Classification: Uncertain significance. Last evaluated: 2025-09-27. Review status: criteria provided, single submitter. Criteria: Invitae Variant Classification Sherloc (09022015). Collection method: clinical testing. Allele origin: germline.
Comment: This sequence change replaces isoleucine, which is neutral and non-polar, with threonine, which is neutral and polar, at codon 223 of the COL4A3 protein (p.Ile223Thr). This variant is present in population databases (rs772407219, gnomAD 0.003%). This variant has not been reported in the literature in individuals affected with COL4A3-related conditions. ClinVar contains an entry for this variant (Variation ID: 990630). Invitae Evidence Modeling of protein sequence and biophysical properties (such as structural, functional, and spatial information, amino acid conservation, physicochemical variation, residue mobility, and thermodynamic stability) indicates that this missense variant is not expected to disrupt COL4A3 protein function with a negative predictive value of 95%. In summary, the available evidence is currently insufficient to determine the role of this variant in disease. Therefore, it has been classified as a Variant of Uncertain Significance.

Ambry Genetics
Classification: Uncertain significance for Inborn genetic diseases. Last evaluated: 2025-08-08. Review status: criteria provided, single submitter. Criteria: Ambry Variant Classification Scheme 2023. Collection method: clinical testing. Allele origin: germline.

Natera, Inc.
Classification: Uncertain significance for Alport syndrome. Last evaluated: 2020-11-05. Review status: no assertion criteria provided. Collection method: clinical testing. Allele origin: germline. Not counted in ClinVar's aggregate classification.

NM_000091.5(COL4A3):c.668T>C (p.Ile223Thr)

Genes: COL4A3 (collagen type IV alpha 3 chain; plus strand), MFF-DT (MFF divergent transcript; minus strand). Cytogenetic location: 2q36.3.
Variant type: single nucleotide variant.
Coding change: c.668T>C on transcript NM_000091.5 (MANE Select); coding-DNA position 668, T replaced by C.
Protein change: p.Ile223Thr; replaces isoleucine 223 with threonine.
Molecular consequence: missense variant.
Genome position (GRCh38, 1-based): chr2:227,253,318, T>C. VCF-style: chr2-227253318-T-C. GRCh37 (hg19) VCF-style: chr2-228118034-T-C.
Other names: c.668T>C (NM_000091.4); short protein forms I223T.
Identifiers: ClinVar variation 990630 (VCV000990630.3), dbSNP rs772407219, ClinGen allele CA2146258.